The following is an entry in ClinVar:

NM_212482.4(FN1):c.6403C>T (p.Pro2135Ser)

Gene: FN1 (fibronectin 1; minus strand). Cytogenetic location: 2q35.
Variant type: single nucleotide variant.
Coding change: c.6403C>T on transcript NM_212482.4 (MANE Select); coding-DNA position 6403, C replaced by T.
Protein change: p.Pro2135Ser; replaces proline 2135 with serine.
Molecular consequence: missense variant. On other transcripts: intron variant (3).
Genome position (GRCh38, 1-based): chr2:215,372,220, G>A on the plus strand (C>T on the coding strand, the complement: FN1 is on the minus strand). VCF-style: chr2-215372220-G-A. GRCh37 (hg19) VCF-style: chr2-216236943-G-A.
Other names: c.6403C>T, p.Pro2135Ser (NM_001306129.2); c.5860C>T, p.Pro1954Ser (NM_001306131.2, NM_212476.3); c.5785C>T, p.Pro1929Ser (NM_001306132.2, NM_001365523.2); c.6133C>T, p.Pro2045Ser (NM_001365517.2, NM_001365521.2); c.6130C>T, p.Pro2044Ser (NM_001365518.2, NM_002026.4); c.6058C>T, p.Pro2020Ser (NM_001365519.2, NM_001365522.2); c.6055C>T, p.Pro2019Ser (NM_001365520.2, NM_212478.3); c.5705-205C>T (NM_212474.3); and 2 more; short protein forms P2019S, P2045S, P1954S, P2020S, P2135S, P1929S, P2044S.
Identifiers: ClinVar variation 3638854 (VCV003638854.2).

ClinVar aggregate classification (germline): Uncertain significance (1 of 4 stars; one submission).

Submission:

Labcorp Genetics (formerly Invitae), Labcorp
Classification: Uncertain significance. Last evaluated: 2024-10-01. Review status: criteria provided, single submitter. Criteria: Invitae Variant Classification Sherloc (09022015). Collection method: clinical testing. Allele origin: germline.
Comment: This sequence change replaces proline, which is neutral and non-polar, with serine, which is neutral and polar, at codon 2135 of the FN1 protein (p.Pro2135Ser). This variant is not present in population databases (gnomAD no frequency). This variant has not been reported in the literature in individuals affected with FN1-related conditions. An algorithm developed to predict the effect of missense changes on protein structure and function (PolyPhen-2) suggests that this variant is likely to be disruptive. In summary, the available evidence is currently insufficient to determine the role of this variant in disease. Therefore, it has been classified as a Variant of Uncertain Significance.